The following is an entry in ClinVar:

NM_001967.4(EIF4A2):c.334G>T (p.Glu112Ter)

Gene: EIF4A2 (eukaryotic translation initiation factor 4A2; plus strand). Cytogenetic location: 3q27.3.
Variant type: single nucleotide variant.
Coding change: c.334G>T on transcript NM_001967.4 (MANE Select); coding-DNA position 334, G replaced by T.
Protein change: p.Glu112Ter; replaces glutamic acid 112 with a stop codon.
Molecular consequence: nonsense.
Genome position (GRCh38, 1-based): chr3:186,785,087, G>T. VCF-style: chr3-186785087-G-T. GRCh37 (hg19) VCF-style: chr3-186502876-G-T.
Other names: short protein forms E112*.
Identifiers: ClinVar variation 3371612 (VCV003371612.1).

ClinVar aggregate classification (germline): Uncertain significance (1 of 4 stars; one submission).

Submission:

GeneDx
Classification: Uncertain significance. Last evaluated: 2024-04-08. Review status: criteria provided, single submitter. Criteria: GeneDx Variant Classification Process June 2021. Collection method: clinical testing. Allele origin: germline. Affected: yes.
Comment: Not observed at significant frequency in large population cohorts (gnomAD); Nonsense variant predicted to result in protein truncation or nonsense mediated decay in a gene or region of a gene for which loss of function is not a well-established mechanism of disease; Has not been previously published as pathogenic or benign to our knowledge